The following is an entry in ClinVar:

NM_001243212.2(CCER2):c.604G>A (p.Glu202Lys)

Gene: CCER2 (coiled-coil glutamate rich protein 2; minus strand). Cytogenetic location: 19q13.2.
Variant type: single nucleotide variant.
Coding change: c.604G>A on transcript NM_001243212.2 (MANE Select); coding-DNA position 604, G replaced by A.
Protein change: p.Glu202Lys; replaces glutamic acid 202 with lysine.
Molecular consequence: missense variant.
Genome position (GRCh38, 1-based): chr19:38,910,670, C>T on the plus strand (G>A on the coding strand, the complement: CCER2 is on the minus strand). VCF-style: chr19-38910670-C-T. GRCh37 (hg19) VCF-style: chr19-39401310-C-T.
Other names: short protein forms E202K.
Identifiers: ClinVar variation 2747893 (VCV002747893.3), dbSNP rs1002861866, ClinGen allele CA308176516.
Genomic context (GRCh38, chr19:38,910,670, plus strand): 5'-GCTGGTGGTGGTGGTGGTGGTGGTGGGGCAAGTCCTCGCGCCTCTCTCCTCCGCCTCTCT[C>T]GGCCCCCTGCCACAGGCTGCGGTCCCCGCCCAGCACCCGCACCCCCTTCTCCTCTGCCTG-3'
Protein context (NP_001230141.1, residues 192-212): GGDRSLWQGA[Glu202Lys]RGGGERREDL

ClinVar aggregate classification (germline): Uncertain significance (1 of 4 stars; one submission).

Allele frequency attached by ClinVar (database versions not stated): gnomAD 0.00002; TOPMed 0.00003; gnomAD exomes 0.00004.

Submission:

Labcorp Genetics (formerly Invitae), Labcorp
Classification: Uncertain significance. Last evaluated: 2022-12-27. Review status: criteria provided, single submitter. Criteria: Invitae Variant Classification Sherloc (09022015). Collection method: clinical testing. Allele origin: germline.
Comment: In summary, the available evidence is currently insufficient to determine the role of this variant in disease. Therefore, it has been classified as a Variant of Uncertain Significance. Algorithms developed to predict the effect of missense changes on protein structure and function output the following: SIFT: "Tolerated"; PolyPhen-2: "Possibly Damaging"; Align-GVGD: "Class C0". The lysine amino acid residue is found in multiple mammalian species, which suggests that this missense change does not adversely affect protein function. This variant has not been reported in the literature in individuals affected with CCER2-related conditions. The frequency data for this variant in the population databases is considered unreliable, as metrics indicate poor data quality at this position in the gnomAD database. This sequence change replaces glutamic acid, which is acidic and polar, with lysine, which is basic and polar, at codon 202 of the CCER2 protein (p.Glu202Lys).